The following is an entry in ClinVar:

NM_207361.6(FREM2):c.1737C>T (p.Ile579=)

Gene: FREM2 (FRAS1 related extracellular matrix 2; plus strand). Cytogenetic location: 13q13.3.
Variant type: single nucleotide variant.
Coding change: c.1737C>T on transcript NM_207361.6 (MANE Select); coding-DNA position 1737, C replaced by T.
Protein change: p.Ile579=; no amino-acid change (isoleucine 579 retained).
Molecular consequence: synonymous variant.
Genome position (GRCh38, 1-based): chr13:38,689,081, C>T. VCF-style: chr13-38689081-C-T. GRCh37 (hg19) VCF-style: chr13-39263218-C-T.
Identifiers: ClinVar variation 311951 (VCV000311951.37), dbSNP rs144811771, ClinGen allele CA6954470.

ClinVar aggregate classification (germline): Conflicting classifications of pathogenicity. Review status: criteria provided, conflicting classifications (1 of 4 stars). 4 submissions from 4 submitters: Uncertain significance (2); Likely benign (2). Last evaluated 2026-01-22.

Conditions:
Fraser syndrome 2 (FRASRS2). Identifiers: MedGen C4540036, MONDO:0054738, OMIM 617666.

Allele frequency attached by ClinVar (database versions not stated): ESP Exome Variant Server 0.00008; gnomAD 0.00011 and 0.00012; gnomAD exomes 0.00011 and 0.00018; ExAC 0.00014; TOPMed 0.00015.
gnomAD v4.1: 282 of 1,614,002 alleles (0.017%); highest among the groups gnomAD compares: Admixed American, 0.023%; no homozygotes.

Submissions (4):

Labcorp Genetics (formerly Invitae), Labcorp
Classification: Likely benign. Last evaluated: 2026-01-22. Review status: criteria provided, single submitter. Criteria: Invitae Variant Classification Sherloc (09022015). Collection method: clinical testing. Allele origin: germline.

CeGaT Center for Human Genetics Tuebingen
Classification: Likely benign. Last evaluated: 2023-03-01. Review status: criteria provided, single submitter. Criteria: CeGaT Center For Human Genetics Tuebingen Variant Classification Criteria Version 2. Collection method: clinical testing. Allele origin: germline. Affected: yes. Observed: 1 variant allele.
Comment: FREM2: BP4, BP7

Eurofins Ntd Llc (ga)
Classification: Uncertain significance. Last evaluated: 2018-04-05. Review status: criteria provided, single submitter. Criteria: EGL ClinVar v180209 classification definitions. Collection method: clinical testing. Allele origin: germline. Observed: 1 variant allele, 1 heterozygote.

Illumina Laboratory Services, Illumina
Classification: Uncertain significance for Fraser syndrome 2. Last evaluated: 2018-01-12. Review status: criteria provided, single submitter. Criteria: ICSL Variant Classification Criteria 13 December 2019. Collection method: clinical testing. Allele origin: germline.